The following is an entry in ClinVar:

ClinVar aggregate classification (germline): Pathogenic/Likely pathogenic. Review status: criteria provided, multiple submitters, no conflicts (2 of 4 stars). 4 submissions from 4 submitters: Pathogenic (1); Likely pathogenic (1). 2 of the submissions do not count toward it. Last evaluated 2023-11-13.

Conditions:
PRPH2-related disorder. Also called: PRPH2-related condition; PRPH2-related disorders. Identifiers: MedGen CN239395.
Retinal dystrophy. Also called: Inherited retinal dystrophy. Identifiers: Orphanet 71862, MedGen C0854723, MeSH D058499, MONDO:0019118, HP:0000556.

Submissions (4):

Labcorp Genetics (formerly Invitae), Labcorp
Classification: Pathogenic for PRPH2-related disorder. Last evaluated: 2023-11-13. Review status: criteria provided, single submitter. Criteria: Invitae Variant Classification Sherloc (09022015). Collection method: clinical testing. Allele origin: germline.
Comment: This sequence change replaces tyrosine, which is neutral and polar, with histidine, which is basic and polar, at codon 141 of the PRPH2 protein (p.Tyr141His). This variant is not present in population databases (gnomAD no frequency). This missense change has been observed in individuals with clinical features of PRPH2-related conditions (PMID: 11139263, 17653047, 34327195; Invitae). ClinVar contains an entry for this variant (Variation ID: 98665). Advanced modeling of protein sequence and biophysical properties (such as structural, functional, and spatial information, amino acid conservation, physicochemical variation, residue mobility, and thermodynamic stability) performed at Invitae indicates that this missense variant is expected to disrupt PRPH2 protein function with a positive predictive value of 95%. This variant disrupts the p.Tyr141 amino acid residue in PRPH2. Other variant(s) that disrupt this residue have been determined to be pathogenic (PMID: 16113362, 16799052, 25001182, 25082885, 25097241). This suggests that this residue is clinically significant, and that variants that disrupt this residue are likely to be disease-causing. For these reasons, this variant has been classified as Pathogenic.

Institute of Human Genetics, Univ. Regensburg, Univ. Regensburg
Classification: Likely pathogenic for Retinal dystrophy. Last evaluated: 2021-01-01. Review status: criteria provided, single submitter. Criteria: ACMG Guidelines, 2015. Collection method: clinical testing. Allele origin: germline. Affected: yes.

Leiden Open Variation Database
Classification: Pathogenic. Last evaluated: 2021-04-06. Review status: no assertion criteria provided. Collection method: curation. Allele origin: germline. Affected: yes. Not counted in ClinVar's aggregate classification.
Comment: Curator: Global Variome, with Curator vacancy. Submitter to LOVD: Manon Peeters.

Retina International
No classification provided. Review status: no classification provided. Collection method: not provided. Allele origin: not provided. Not counted in ClinVar's aggregate classification.

Literature cited by the submitters: PubMed 11139263 (cited by 3 submitters); PubMed 17653047 (cited by Labcorp Genetics (formerly Invitae), Labcorp and Leiden Open Variation Database); PubMed 34327195 (cited by Labcorp Genetics (formerly Invitae), Labcorp and Institute of Human Genetics, Univ. Regensburg, Univ. Regensburg); PubMed 16113362 (cited by Labcorp Genetics (formerly Invitae), Labcorp); PubMed 16799052 (cited by Labcorp Genetics (formerly Invitae), Labcorp); PubMed 25001182 (cited by Labcorp Genetics (formerly Invitae), Labcorp); PubMed 25082885 (cited by Labcorp Genetics (formerly Invitae), Labcorp); PubMed 25097241 (cited by Labcorp Genetics (formerly Invitae), Labcorp); PubMed 32483926 (cited by Institute of Human Genetics, Univ. Regensburg, Univ. Regensburg); PubMed 34411390 (cited by Institute of Human Genetics, Univ. Regensburg, Univ. Regensburg).

NM_000322.5(PRPH2):c.421T>C (p.Tyr141His)

Gene: PRPH2 (peripherin 2; minus strand). Cytogenetic location: 6p21.1.
Variant type: single nucleotide variant.
Coding change: c.421T>C on transcript NM_000322.5 (MANE Select); coding-DNA position 421, T replaced by C.
Protein change: p.Tyr141His; replaces tyrosine 141 with histidine.
Molecular consequence: missense variant.
Genome position (GRCh38, 1-based): chr6:42,721,914, A>G on the plus strand (T>C on the coding strand, the complement: PRPH2 is on the minus strand). VCF-style: chr6-42721914-A-G. GRCh37 (hg19) VCF-style: chr6-42689652-A-G.
Other names: short protein forms Y141H.
Identifiers: ClinVar variation 98665 (VCV000098665.7), dbSNP rs61755780, ClinGen allele CA226232.
Genomic context (GRCh38, chr6:42,721,914, plus strand): 5'-TCTGCAGCATGTCGATGGTCTTCTTCATGAAACACCTGCCAGGGGTGTCTGTGTCCCGGT[A>G]GTACTTCATGCCGTTCTTGAGCCCTTGGCCCAGGGTGTTCTCCAGCGAGCCCCGAAGCAG-3'
Protein context (NP_000313.2, residues 131-151): GQGLKNGMKY[Tyr141His]RDTDTPGRCF